The following is an entry in ClinVar:

NM_003227.4(TFR2):c.1619A>G (p.Asn540Ser)

Gene: TFR2 (transferrin receptor 2; minus strand). Cytogenetic location: 7q22.1.
Variant type: single nucleotide variant.
Coding change: c.1619A>G on transcript NM_003227.4 (MANE Select); coding-DNA position 1619, A replaced by G.
Protein change: p.Asn540Ser; replaces asparagine 540 with serine.
Molecular consequence: missense variant.
Genome position (GRCh38, 1-based): chr7:100,627,807, T>C on the plus strand (A>G on the coding strand, the complement: TFR2 is on the minus strand). VCF-style: chr7-100627807-T-C. GRCh37 (hg19) VCF-style: chr7-100225430-T-C.
Other names: c.1106A>G, p.Asn369Ser (NM_001206855.3); short protein forms N369S, N540S.
Identifiers: ClinVar variation 1471470 (VCV001471470.5), dbSNP rs770274506, ClinGen allele CA368526641.

ClinVar aggregate classification (germline): Uncertain significance (1 of 4 stars; one submission).

Conditions:
Hereditary hemochromatosis (HFE). Identifiers: MedGen C0392514, MONDO:0006507. Disease mechanism: loss of function.

Allele frequency attached by ClinVar (database versions not stated): gnomAD 0.00001.
gnomAD v4.1: 2 of 1,613,652 alleles (0.00012%); highest among the groups gnomAD compares: African/African-American, 0.0013%; no homozygotes.

Submission:

Labcorp Genetics (formerly Invitae), Labcorp
Classification: Uncertain significance for Hereditary hemochromatosis. Last evaluated: 2021-09-24. Review status: criteria provided, single submitter. Criteria: Invitae Variant Classification Sherloc (09022015). Collection method: clinical testing. Allele origin: germline.
Comment: This sequence change replaces asparagine with serine at codon 540 of the TFR2 protein (p.Asn540Ser). The asparagine residue is highly conserved and there is a small physicochemical difference between asparagine and serine. This variant is not present in population databases (ExAC no frequency). This variant has not been reported in the literature in individuals with TFR2-related conditions. Algorithms developed to predict the effect of missense changes on protein structure and function are either unavailable or do not agree on the potential impact of this missense change (SIFT: "Deleterious"; PolyPhen-2: "Benign"; Align-GVGD: "Class C0"). In summary, the available evidence is currently insufficient to determine the role of this variant in disease. Therefore, it has been classified as a Variant of Uncertain Significance.